The following is an entry in ClinVar:

ClinVar aggregate classification (germline): Uncertain significance. Review status: criteria provided, multiple submitters, no conflicts (2 of 4 stars). 3 submissions from 3 submitters: Uncertain significance (3). Last evaluated 2025-04-01.

Conditions:
Early-infantile DEE. Also called: Early infantile epileptic encephalopathy; Early infantile epileptic encephalopathy with suppression bursts; Ohtahara syndrome. Identifiers: Orphanet 1934, MedGen C0393706, MONDO:0800491.
Inborn genetic diseases. Identifiers: MedGen C0950123, MeSH D030342.

gnomAD v4.1: 7 of 1,533,396 alleles (0.00046%); highest among the groups gnomAD compares: African/African-American, 0.0014%; no homozygotes.

Submissions (3):

Ambry Genetics
Classification: Uncertain significance for Inborn genetic diseases. Last evaluated: 2025-04-01. Review status: criteria provided, single submitter. Criteria: Ambry Variant Classification Scheme 2023. Collection method: clinical testing. Allele origin: germline.

Women's Health and Genetics/Laboratory Corporation of America, LabCorp
Classification: Uncertain significance. Last evaluated: 2024-06-25. Review status: criteria provided, single submitter. Criteria: LabCorp Variant Classification Summary - May 2015. Collection method: clinical testing. Allele origin: germline.
Comment: Variant summary: KCNQ2 c.2174G>T (p.Arg725Leu) results in a non-conservative amino acid change in the encoded protein sequence. Three of five in-silico tools predict a damaging effect of the variant on protein function. The variant allele was found at a frequency of 7.1e-06 in 140094 control chromosomes (gnomAD). The available data on variant occurrences in the general population are insufficient to allow any conclusion about variant significance. To our knowledge, no occurrence of c.2174G>T in individuals affected with KCNQ2-Related Disorders and no experimental evidence demonstrating its impact on protein function have been reported. ClinVar contains an entry for this variant (Variation ID: 2727711). Based on the evidence outlined above, the variant was classified as uncertain significance.

Labcorp Genetics (formerly Invitae), Labcorp
Classification: Uncertain significance for Early-infantile DEE. Last evaluated: 2023-12-30. Review status: criteria provided, single submitter. Criteria: Invitae Variant Classification Sherloc (09022015). Collection method: clinical testing. Allele origin: germline.
Comment: This sequence change replaces arginine, which is basic and polar, with leucine, which is neutral and non-polar, at codon 725 of the KCNQ2 protein (p.Arg725Leu). The frequency data for this variant in the population databases is considered unreliable, as metrics indicate poor data quality at this position in the gnomAD database. This variant has not been reported in the literature in individuals affected with KCNQ2-related conditions. An algorithm developed to predict the effect of missense changes on protein structure and function (PolyPhen-2) suggests that this variant is likely to be tolerated. In summary, the available evidence is currently insufficient to determine the role of this variant in disease. Therefore, it has been classified as a Variant of Uncertain Significance.

NM_172107.4(KCNQ2):c.2174G>T (p.Arg725Leu)

Gene: KCNQ2 (potassium voltage-gated channel subfamily Q member 2; minus strand). Cytogenetic location: 20q13.33.
Variant type: single nucleotide variant.
Coding change: c.2174G>T on transcript NM_172107.4 (MANE Select); coding-DNA position 2174, G replaced by T.
Protein change: p.Arg725Leu; replaces arginine 725 with leucine.
Molecular consequence: missense variant.
Genome position (GRCh38, 1-based): chr20:63,407,089, C>A on the plus strand (G>T on the coding strand, the complement: KCNQ2 is on the minus strand). VCF-style: chr20-63407089-C-A. GRCh37 (hg19) VCF-style: chr20-62038442-C-A.
Other names: c.2174G>T (NM_172107.2); c.2228G>T, p.Arg743Leu (NM_001382235.1); c.2090G>T, p.Arg697Leu (NM_004518.6); c.2120G>T, p.Arg707Leu (NM_172106.3); c.2081G>T, p.Arg694Leu (NM_172108.5); short protein forms R697L, R743L, R694L, R707L, R725L.
Identifiers: ClinVar variation 2727711 (VCV002727711.5), dbSNP rs775271635, ClinGen allele CA9958135.
Genomic context (GRCh38, chr20:63,407,089, plus strand): 5'-GGCGGCGGGATGCGCACCAGGGAGCCGTGGTCCCCCACGGGGGAGGTGCCGTGGCCCTGG[C>A]GCGGGTGGCTCTGTGGCTGCCAGGAGGTGGAGGGCGGACACTGGACAGGGGGCGCGGCCG-3'
Protein context (NP_742105.1, residues 715-735): STSWQPQSHP[Arg725Leu]QGHGTSPVGD